The following is an entry in ClinVar:

ClinVar aggregate classification (germline): Likely benign (1 of 4 stars; one submission).

Submission:

GeneDx
Classification: Likely benign. Last evaluated: 2015-12-08. Review status: criteria provided, single submitter. Criteria: GeneDx Variant Classification (06012015). Collection method: clinical testing. Allele origin: germline. Affected: yes.
Comment: This variant is considered likely benign or benign based on one or more of the following criteria: it is a conservative change, it occurs at a poorly conserved position in the protein, it is predicted to be benign by multiple in silico algorithms, and/or has population frequency not consistent with disease.

NM_033118.4(MYLK2):c.878+8C>G

Gene: MYLK2 (myosin light chain kinase 2; plus strand). Cytogenetic location: 20q11.21.
Variant type: single nucleotide variant.
Coding change: c.878+8C>G on transcript NM_033118.4 (MANE Select); 8 bases into the intron after coding-DNA position 878, C replaced by G.
Molecular consequence: intron variant.
Genome position (GRCh38, 1-based): chr20:31,823,590, C>G. VCF-style: chr20-31823590-C-G. GRCh37 (hg19) VCF-style: chr20-30411393-C-G.
Identifiers: ClinVar variation 382205 (VCV000382205.1), dbSNP rs1057521284, ClinGen allele CA16609035.
Genomic context (GRCh38, chr20:31,823,590, plus strand): 5'-ACCGGGAATGTCAGCAGTGAATTCAGTATGAACTCCAAGGAGGCGCTCGGAGGGTGAGAT[C>G]TGGGACCCCAGCTGGGCACTCATGGACAGAGAGTACACCGGGCTCCTGTGGCTTCACATT-3'